The following is an entry in ClinVar:

NC_000010.10:g.(?_74322633)_(74322841_?)del

Gene: MICU1 (mitochondrial calcium uptake 1; minus strand). Cytogenetic location: 10q22.1.
Variant type: Deletion.
Identifiers: ClinVar variation 2425504 (VCV002425504.4).

ClinVar aggregate classification (germline): Pathogenic (1 of 4 stars; one submission).

Submission:

Labcorp Genetics (formerly Invitae), Labcorp
Classification: Pathogenic. Last evaluated: 2023-08-17. Review status: criteria provided, single submitter. Criteria: Invitae Variant Classification Sherloc (09022015). Collection method: clinical testing. Allele origin: germline.
Comment: This variant is a gross deletion of the genomic region encompassing exon(s) 3 of the MICU1 gene. This deletion is out-of-frame, and is expected to create a premature termination codon and result in an absent or disrupted protein product. Loss-of-function variants in MICU1 are known to be pathogenic (PMID: 24336167). This variant has not been reported in the literature in individuals affected with MICU1-related conditions. For these reasons, this variant has been classified as Pathogenic.

Literature cited by the submitters: PubMed 24336167.